The following is an entry in ClinVar:

ClinVar aggregate classification (germline): Uncertain significance (1 of 4 stars; one submission).

Conditions:
Inborn genetic diseases. Identifiers: MedGen C0950123, MeSH D030342.

Submission:

Ambry Genetics
Classification: Uncertain significance for Inborn genetic diseases. Last evaluated: 2021-12-22. Review status: criteria provided, single submitter. Criteria: Ambry Variant Classification Scheme 2023. Collection method: clinical testing. Allele origin: germline.
Comment: The p.M2161I variant (also known as c.6483G>A), located in coding exon 38 of the ATR gene, results from a G to A substitution at nucleotide position 6483. The methionine at codon 2161 is replaced by isoleucine, an amino acid with highly similar properties. This amino acid position is conserved. In addition, this alteration is predicted to be tolerated by in silico analysis. Since supporting evidence is limited at this time, the clinical significance of this alteration remains unclear.

NM_001184.4(ATR):c.6483G>A (p.Met2161Ile)

Gene: ATR (ATR checkpoint kinase; minus strand). Cytogenetic location: 3q23.
Variant type: single nucleotide variant.
Coding change: c.6483G>A on transcript NM_001184.4 (MANE Select); coding-DNA position 6483, G replaced by A.
Protein change: p.Met2161Ile; replaces methionine 2161 with isoleucine.
Molecular consequence: missense variant.
Genome position (GRCh38, 1-based): chr3:142,469,406, C>T on the plus strand (G>A on the coding strand, the complement: ATR is on the minus strand). VCF-style: chr3-142469406-C-T. GRCh37 (hg19) VCF-style: chr3-142188248-C-T.
Other names: c.6291G>A, p.Met2097Ile (NM_001354579.2); short protein forms M2161I, M2097I.
Identifiers: ClinVar variation 1753774 (VCV001753774.2), dbSNP rs2108278845, ClinGen allele CA354804550.
Genomic context (GRCh38, chr3:142,469,406, plus strand): 5'-AGCTGTCATCATCCACATTGCTTGTTGAGGATAGGCTAGAAATACTTTGGCTATTATTTC[C>T]ATCAAGACAACAAAAACTTCATCGTGAGAATGACAAATTCGAGAGATCAATTGTGAAAAA-3'
Protein context (NP_001175.2, residues 2151-2171): HSHDEVFVVL[Met2161Ile]EIIAKVFLAY